The following is an entry in ClinVar:

NM_014780.5(CUL7):c.4333C>T (p.Arg1445Ter)

Gene: CUL7 (cullin 7; minus strand). Cytogenetic location: 6p21.1.
Variant type: single nucleotide variant.
Coding change: c.4333C>T on transcript NM_014780.5 (MANE Select); coding-DNA position 4333, C replaced by T.
Protein change: p.Arg1445Ter; replaces arginine 1445 with a stop codon.
Molecular consequence: nonsense.
Genome position (GRCh38, 1-based): chr6:43,038,949, G>A on the plus strand (C>T on the coding strand, the complement: CUL7 is on the minus strand). VCF-style: chr6-43038949-G-A. GRCh37 (hg19) VCF-style: chr6-43006687-G-A.
Other names: c.4429C>T, p.Arg1477Ter (NM_001168370.2, NM_001374872.1); c.4333C>T, p.Arg1445Ter (NM_001374873.1); c.4330C>T, p.Arg1444Ter (NM_001374874.1); short protein forms R1445*, R1444*, R1477*.
Identifiers: ClinVar variation 1613 (VCV000001613.16), dbSNP rs121918228, ClinGen allele CA251897.

ClinVar aggregate classification (germline): Pathogenic. Review status: criteria provided, multiple submitters, no conflicts (2 of 4 stars). 7 submissions from 7 submitters: Pathogenic (6). 1 of the submissions does not count toward it. Last evaluated 2025-12-12.

Conditions:
CUL7-related disorder. Also called: CUL7-related condition.
3-M syndrome. Also called: 3M SYNDROME; 3-MSBN; Three-M slender-boned nanism; Three M syndrome. Identifiers: Orphanet 2616, MedGen C1848862, MONDO:0007477.
3M syndrome 1. Also called: 3-M Syndrome, CUL7-Related. Identifiers: Orphanet 2616, MedGen C2678312, MONDO:0010117, OMIM 273750.

Allele frequency attached by ClinVar (database versions not stated): gnomAD 0.00003 and 0.00002; gnomAD exomes 0.00004; ExAC 0.00006; TOPMed 0.00002; 1000 Genomes Project 30x 0.00016; 1000 Genomes Project 0.00020.
gnomAD v4.1: 39 of 1,611,972 alleles (0.0024%); highest among the groups gnomAD compares: African/African-American, 0.011%; no homozygotes.

Submissions (7):

Women's Health and Genetics/Laboratory Corporation of America, LabCorp
Classification: Pathogenic for 3-M syndrome. Last evaluated: 2025-12-12. Review status: criteria provided, single submitter. Criteria: LabCorp Variant Classification Summary - May 2015. Collection method: clinical testing. Allele origin: germline.
Comment: Variant summary: CUL7 c.4333C>T (p.Arg1445X) results in a premature termination codon, predicted to cause a truncation of the encoded protein or absence of the protein due to nonsense mediated decay, which are commonly known mechanisms for disease. The variant allele was found at a frequency of 3.6e-05 in 251172 control chromosomes. c.4333C>T has been observed in multiple individuals affected with Three M Syndrome (example: Huber_2005). These data indicate that the variant is very likely to be associated with disease. The following publication has been ascertained in the context of this evaluation (PMID: 16142236). ClinVar contains an entry for this variant (Variation ID: 1613). Based on the evidence outlined above, the variant was classified as pathogenic.

GeneDx
Classification: Pathogenic. Last evaluated: 2025-08-04. Review status: criteria provided, single submitter. Criteria: GeneDx Variant Classification Process June 2021. Collection method: clinical testing. Allele origin: germline. Affected: yes.
Comment: Nonsense variant predicted to result in protein truncation or nonsense mediated decay in a gene for which loss of function is a known mechanism of disease; This variant is associated with the following publications: (PMID: 34597859, 16142236, 31589614)

Labcorp Genetics (formerly Invitae), Labcorp
Classification: Pathogenic. Last evaluated: 2025-07-29. Review status: criteria provided, single submitter. Criteria: Invitae Variant Classification Sherloc (09022015). Collection method: clinical testing. Allele origin: germline.
Comment: This sequence change creates a premature translational stop signal (p.Arg1445*) in the CUL7 gene. It is expected to result in an absent or disrupted protein product. Loss-of-function variants in CUL7 are known to be pathogenic (PMID: 16142236, 17675530, 19225462). This variant is present in population databases (rs121918228, gnomAD 0.02%). This premature translational stop signal has been observed in individual(s) with 3-M syndrome (PMID: 16142236). ClinVar contains an entry for this variant (Variation ID: 1613). For these reasons, this variant has been classified as Pathogenic.

Fulgent Genetics
Classification: Pathogenic for 3M syndrome 1. Last evaluated: 2024-06-01. Review status: criteria provided, single submitter. Criteria: ACMG Guidelines, 2015. Collection method: clinical testing. Allele origin: germline.

Blueprint Genetics
Classification: Pathogenic for CUL7-related disorders. Last evaluated: 2024-03-20. Review status: criteria provided, single submitter. Criteria: ACMG Guidelines, 2015. Collection method: clinical testing. Allele origin: germline. Affected: yes. Observed: 2 variant alleles.

Juno Genomics, Hangzhou Juno Genomics, Inc
Classification: Pathogenic for 3M syndrome 1. Review status: criteria provided, single submitter. Criteria: ACMG Guidelines, 2015. Collection method: clinical testing. Allele origin: germline.
Comment: Absent from controls (or at extremely low frequency if recessive) in Genome Aggregation Database.;Null variant in a gene where loss of function (LOF) is a known mechanism of disease.;Well-established in vitro or in vivo functional studies supportive of a damaging effect on the gene or gene product.;For recessive disorders, detected in trans with a pathogenic variant.

OMIM
Classification: Pathogenic for THREE M SYNDROME 1. Last evaluated: 2005-10-01. Review status: no assertion criteria provided. Collection method: literature only. Allele origin: germline. Not counted in ClinVar's aggregate classification.

Literature cited by the submitters: PubMed 16142236 (cited by 3 submitters); PubMed 17675530 (cited by Labcorp Genetics (formerly Invitae), Labcorp); PubMed 19225462 (cited by Labcorp Genetics (formerly Invitae), Labcorp).